The following is an entry in ClinVar:

NM_001267550.2(TTN):c.72222A>T (p.Ala24074=)

Genes: TTN (titin; minus strand), TTN-AS1 (TTN antisense RNA 1; plus strand). Cytogenetic location: 2q31.2.
Variant type: single nucleotide variant.
Coding change: c.72222A>T on transcript NM_001267550.2 (MANE Select); coding-DNA position 72222, A replaced by T.
Protein change: p.Ala24074=; no amino-acid change (alanine 24074 retained).
Molecular consequence: synonymous variant.
Genome position (GRCh38, 1-based): chr2:178,573,910, T>A on the plus strand (A>T on the coding strand, the complement: TTN is on the minus strand). VCF-style: chr2-178573910-T-A. GRCh37 (hg19) VCF-style: chr2-179438637-T-A.
Other names: c.67299A>T, p.Ala22433= (NM_001256850.1); c.45027A>T, p.Ala15009= (NM_003319.4); c.64518A>T, p.Ala21506= (NM_133378.4); c.45402A>T, p.Ala15134= (NM_133432.3); c.45603A>T, p.Ala15201= (NM_133437.4).
Identifiers: ClinVar variation 673841 (VCV000673841.1), dbSNP rs763627374, ClinGen allele CA1990531.

ClinVar aggregate classification (germline): Likely benign (1 of 4 stars; one submission).

Allele frequency attached by ClinVar (database versions not stated): gnomAD exomes below 0.00001; ExAC 0.00001.
gnomAD v4.1: 7 of 1,612,256 alleles (0.00043%); highest among the groups gnomAD compares: Non-Finnish European, 0.00051%; no homozygotes.

Submission:

GeneDx
Classification: Likely benign. Last evaluated: 2018-06-18. Review status: criteria provided, single submitter. Criteria: GeneDx Variant Classification (06012015). Collection method: clinical testing. Allele origin: germline. Affected: yes.
Comment: This variant is considered likely benign or benign based on one or more of the following criteria: it is a conservative change, it occurs at a poorly conserved position in the protein, it is predicted to be benign by multiple in silico algorithms, and/or has population frequency not consistent with disease.